The following is an entry in ClinVar:

NM_001081.4(CUBN):c.2980G>T (p.Asp994Tyr)

Gene: CUBN (cubilin; minus strand). Cytogenetic location: 10p13.
Variant type: single nucleotide variant.
Coding change: c.2980G>T on transcript NM_001081.4 (MANE Select); coding-DNA position 2980, G replaced by T.
Protein change: p.Asp994Tyr; replaces aspartic acid 994 with tyrosine.
Molecular consequence: missense variant.
Genome position (GRCh38, 1-based): chr10:17,068,092, C>A on the plus strand (G>T on the coding strand, the complement: CUBN is on the minus strand). VCF-style: chr10-17068092-C-A. GRCh37 (hg19) VCF-style: chr10-17110091-C-A.
Other names: short protein forms D994Y.
Identifiers: ClinVar variation 2918687 (VCV002918687.3), dbSNP rs754126339, ClinGen allele CA5424807.

ClinVar aggregate classification (germline): Uncertain significance (1 of 4 stars; one submission).

Conditions:
Imerslund-Grasbeck syndrome. Also called: Megaloblastic anemia due to inborn errors of metabolism; PERNICIOUS ANEMIA, JUVENILE, DUE TO SELECTIVE INTESTINAL MALABSORPTION OF VITAMIN B12, WITH PROTEINURIA; Imerslund-Gräsbeck syndrome; ENTEROCYTE COBALAMIN MALABSORPTION; ENTEROCYTE INTRINSIC FACTOR RECEPTOR, DEFECT OF. Identifiers: Orphanet 35858, MedGen C4551825, MONDO:0009853.

Allele frequency attached by ClinVar (database versions not stated): ExAC 0.00001; TOPMed 0.00003; gnomAD 0.00005.
gnomAD v4.1: 66 of 1,613,098 alleles (0.0041%); highest among the groups gnomAD compares: Non-Finnish European, 0.0052%; no homozygotes.

Submission:

Labcorp Genetics (formerly Invitae), Labcorp
Classification: Uncertain significance for Imerslund-Grasbeck syndrome. Last evaluated: 2023-04-25. Review status: criteria provided, single submitter. Criteria: Invitae Variant Classification Sherloc (09022015). Collection method: clinical testing. Allele origin: germline.
Comment: This variant is present in population databases (rs754126339, gnomAD 0.004%). In summary, the available evidence is currently insufficient to determine the role of this variant in disease. Therefore, it has been classified as a Variant of Uncertain Significance. Advanced modeling of protein sequence and biophysical properties (such as structural, functional, and spatial information, amino acid conservation, physicochemical variation, residue mobility, and thermodynamic stability) performed at Invitae indicates that this missense variant is expected to disrupt CUBN protein function. This variant has not been reported in the literature in individuals affected with CUBN-related conditions. This sequence change replaces aspartic acid, which is acidic and polar, with tyrosine, which is neutral and polar, at codon 994 of the CUBN protein (p.Asp994Tyr).